The following is an entry in ClinVar:

ClinVar aggregate classification (germline): Uncertain significance (1 of 4 stars; one submission).

Conditions:
Atrioventricular septal defect 5 (AVSD5). Identifiers: MedGen C3280939, MONDO:0013769, OMIM 614474.

Allele frequency attached by ClinVar (database versions not stated): gnomAD 0.00001; gnomAD exomes 0.00001 and 0.00003; TOPMed 0.00001; ExAC 0.00002.
gnomAD v4.1: 10 of 1,598,358 alleles (0.00063%); highest among the groups gnomAD compares: East Asian, 0.013%; no homozygotes.

Submission:

Labcorp Genetics (formerly Invitae), Labcorp
Classification: Uncertain significance for Atrioventricular septal defect 5. Last evaluated: 2023-09-14. Review status: criteria provided, single submitter. Criteria: Invitae Variant Classification Sherloc (09022015). Collection method: clinical testing. Allele origin: germline.
Comment: This sequence change replaces serine, which is neutral and polar, with phenylalanine, which is neutral and non-polar, at codon 37 of the GATA6 protein (p.Ser37Phe). In summary, the available evidence is currently insufficient to determine the role of this variant in disease. Therefore, it has been classified as a Variant of Uncertain Significance. An algorithm developed to predict the effect of missense changes on protein structure and function (PolyPhen-2) suggests that this variant is likely to be disruptive. ClinVar contains an entry for this variant (Variation ID: 1363841). This variant has not been reported in the literature in individuals affected with GATA6-related conditions. This variant is present in population databases (rs776255080, gnomAD 0.04%).

NM_005257.6(GATA6):c.110C>T (p.Ser37Phe)

Gene: GATA6 (GATA binding protein 6; plus strand). Cytogenetic location: 18q11.2.
Variant type: single nucleotide variant.
Coding change: c.110C>T on transcript NM_005257.6 (MANE Select); coding-DNA position 110, C replaced by T.
Protein change: p.Ser37Phe; replaces serine 37 with phenylalanine.
Molecular consequence: missense variant.
Genome position (GRCh38, 1-based): chr18:22,171,254, C>T. VCF-style: chr18-22171254-C-T. GRCh37 (hg19) VCF-style: chr18-19751215-C-T.
Other names: short protein forms S37F.
Identifiers: ClinVar variation 1363841 (VCV001363841.8), dbSNP rs776255080, ClinGen allele CA8908811.